The following is an entry in ClinVar:

NM_001281740.3(FHOD3):c.3564_3567del (p.Gly1190fs)

Gene: FHOD3 (formin homology 2 domain containing 3; plus strand). Cytogenetic location: 18q12.2.
Variant type: Deletion.
Coding change: c.3564_3567del on transcript NM_001281740.3 (MANE Select); coding-DNA positions 3564 to 3567, 4 bases deleted (AGAA; older notation c.3564_3567delAGAA).
Protein change: p.Gly1190fs; shifts the reading frame from glycine 1190.
Molecular consequence: frameshift variant.
Genome position (GRCh38, 1-based): chr18:36,730,792-36,730,795, AGAA deleted; deleting any 4 consecutive bases within chr18:36,730,790-36,730,795 gives the same sequence; the c. name uses the placement nearest the transcript's 3' end. VCF-style (leftmost placement, unchanged base first): chr18-36730789-CAAAG-C. GRCh37 (hg19) VCF-style: chr18-34310752-CAAAG-C.
Other names: c.2988_2991del, p.Gly998fs (NM_001281739.3); c.3039_3042del, p.Gly1015fs (NM_025135.5); short protein forms G1015fs, G1190fs, G998fs.
Identifiers: ClinVar variation 4884078 (VCV004884078.2).

ClinVar aggregate classification (germline): Uncertain significance (1 of 4 stars; one submission).

Conditions:
FHOD3-related hypertrophic cardiomyopathy.

Submission:

Dasa
Classification: Uncertain significance for FHOD3-related hypertrophic cardiomyopathy. Last evaluated: 2026-01-14. Review status: criteria provided, single submitter. Criteria: DASA Assertion Criteria. Collection method: clinical testing. Allele origin: germline.
Comment: NM_001281740.3(FHOD3):c.3564_3567del (p.Gly1190Serfs*5) is a frameshift variant in FHOD3 predicted to alter the reading frame and introduce a premature termination codon. This variant is absent from population databases. The currently available literature and clinical evidence are not sufficient to establish a definitive association between this variant and the reported condition. Therefore, this variant is classified as a variant of uncertain significance.